The following is an entry in ClinVar:

ClinVar aggregate classification (germline): Uncertain significance. Review status: criteria provided, multiple submitters, no conflicts (2 of 4 stars). 2 submissions from 2 submitters: Uncertain significance (2). Last evaluated 2024-12-04.

gnomAD v4.1: 73 of 1,613,858 alleles (0.0045%); highest among the groups gnomAD compares: African/African-American, 0.084%; no homozygotes.

Submissions (2):

Labcorp Genetics (formerly Invitae), Labcorp
Classification: Uncertain significance. Last evaluated: 2024-12-04. Review status: criteria provided, single submitter. Criteria: Invitae Variant Classification Sherloc (09022015). Collection method: clinical testing. Allele origin: germline.
Comment: This sequence change replaces lysine, which is basic and polar, with asparagine, which is neutral and polar, at codon 600 of the CCDC141 protein (p.Lys600Asn). This variant is present in population databases (rs149294487, gnomAD 0.05%). This variant has not been reported in the literature in individuals affected with CCDC141-related conditions. An algorithm developed to predict the effect of missense changes on protein structure and function (PolyPhen-2) suggests that this variant is likely to be disruptive. In summary, the available evidence is currently insufficient to determine the role of this variant in disease. Therefore, it has been classified as a Variant of Uncertain Significance.

Ambry Genetics
Classification: Uncertain significance. Last evaluated: 2024-09-30. Review status: criteria provided, single submitter. Criteria: Ambry Variant Classification Scheme 2023. Collection method: clinical testing. Allele origin: germline.

NM_173648.4(CCDC141):c.1800G>T (p.Lys600Asn)

Gene: CCDC141 (coiled-coil domain containing 141; minus strand). Cytogenetic location: 2q31.2.
Variant type: single nucleotide variant.
Coding change: c.1800G>T on transcript NM_173648.4 (MANE Select); coding-DNA position 1800, G replaced by T.
Protein change: p.Lys600Asn; replaces lysine 600 with asparagine.
Molecular consequence: missense variant.
Genome position (GRCh38, 1-based): chr2:178,878,063, C>A on the plus strand (G>T on the coding strand, the complement: CCDC141 is on the minus strand). VCF-style: chr2-178878063-C-A. GRCh37 (hg19) VCF-style: chr2-179742790-C-A.
Other names: c.1800G>T, p.Lys600Asn (NM_001316745.2); short protein forms K600N.
Identifiers: ClinVar variation 3486035 (VCV003486035.3).